The following is an entry in ClinVar:

ClinVar aggregate classification (germline): Uncertain significance. Review status: criteria provided, multiple submitters, no conflicts (2 of 4 stars). 2 submissions from 2 submitters: Uncertain significance (2). Last evaluated 2025-03-26.

Conditions:
Inborn genetic diseases. Identifiers: MedGen C0950123, MeSH D030342.

Allele frequency attached by ClinVar (database versions not stated): TOPMed below 0.00001; ExAC 0.00001.
gnomAD v4.1: 6 of 1,614,168 alleles (0.00037%); highest among the groups gnomAD compares: Admixed American, 0.005%; no homozygotes.

Submissions (2):

Ambry Genetics
Classification: Uncertain significance for Inborn genetic diseases. Last evaluated: 2025-03-26. Review status: criteria provided, single submitter. Criteria: Ambry Variant Classification Scheme 2023. Collection method: clinical testing. Allele origin: germline.

Labcorp Genetics (formerly Invitae), Labcorp
Classification: Uncertain significance. Last evaluated: 2024-05-01. Review status: criteria provided, single submitter. Criteria: Invitae Variant Classification Sherloc (09022015). Collection method: clinical testing. Allele origin: germline.
Comment: This sequence change replaces proline, which is neutral and non-polar, with leucine, which is neutral and non-polar, at codon 1521 of the SRCAP protein (p.Pro1521Leu). This variant is present in population databases (rs766731906, gnomAD 0.006%). This variant has not been reported in the literature in individuals affected with SRCAP-related conditions. Advanced modeling of protein sequence and biophysical properties (such as structural, functional, and spatial information, amino acid conservation, physicochemical variation, residue mobility, and thermodynamic stability) performed at Invitae indicates that this missense variant is not expected to disrupt SRCAP protein function with a negative predictive value of 80%. In summary, the available evidence is currently insufficient to determine the role of this variant in disease. Therefore, it has been classified as a Variant of Uncertain Significance.

NM_006662.3(SRCAP):c.4562C>T (p.Pro1521Leu)

Gene: SRCAP (Snf2 related CREBBP activator protein; plus strand). Cytogenetic location: 16p11.2.
Variant type: single nucleotide variant.
Coding change: c.4562C>T on transcript NM_006662.3 (MANE Select); coding-DNA position 4562, C replaced by T.
Protein change: p.Pro1521Leu; replaces proline 1521 with leucine.
Molecular consequence: missense variant.
Genome position (GRCh38, 1-based): chr16:30,723,986, C>T. VCF-style: chr16-30723986-C-T. GRCh37 (hg19) VCF-style: chr16-30735307-C-T.
Other names: c.4562C>T (NM_006662.2); short protein forms P1521L.
Identifiers: ClinVar variation 2808989 (VCV002808989.4), dbSNP rs766731906, ClinGen allele CA8011769.